The following is an entry in ClinVar:

ClinVar aggregate classification (germline): Likely pathogenic (1 of 4 stars; one submission).

Submission:

GeneDx
Classification: Likely pathogenic. Last evaluated: 2018-08-11. Review status: criteria provided, single submitter. Criteria: GeneDx Variant Classification (06012015). Collection method: clinical testing. Allele origin: germline. Affected: yes.
Comment: The c.618dupC variant in the SCO2 gene has not been reported previously as a pathogenic variant nor as a benign variant, to our knowledge. The c.618dupC variant causes a frameshift starting with codon Valine 207, changes this amino acid to an Arginine residue, and creates a premature Stop codon at position 10 of the new reading frame, denoted p.Val207ArgfsX10. This variant is predicted to cause loss of normal protein function either through protein truncation or nonsense-mediated mRNA decay. The c.618dupC variant is not observed in large population cohorts (Lek et al., 2016; 1000 Genomes Consortium et al., 2015; Exome Variant Server). The c.618dupC variant is a strong candidate for a pathogenic variant, however the possibility it may be a rare benign variant cannot be excluded.

NM_005138.3(SCO2):c.618dup (p.Val207fs)

Genes: NCAPH2 (non-SMC condensin II complex subunit H2; plus strand), SCO2 (synthesis of cytochrome C oxidase 2; minus strand). Cytogenetic location: 22q13.33.
Variant type: Duplication.
Coding change: c.618dup on transcript NM_005138.3 (MANE Select); coding-DNA position 618, one base duplicated (C; older notation c.618dupC).
Protein change: p.Val207fs; shifts the reading frame from valine 207.
Molecular consequence: frameshift variant. On other transcripts: 3 prime UTR variant (2).
Genome position (GRCh38, 1-based): chr22:50,523,794, G duplicated on the plus strand (C on the coding strand, the reverse complement: SCO2 is on the minus strand). VCF-style (leftmost placement, unchanged base first): chr22-50523793-C-CG. GRCh37 (hg19) VCF-style: chr22-50962222-C-CG.
Other names: c.618dupC (NM_005138.2); c.*419dup (NM_001185011.2, NM_152299.4); c.618dup, p.Val207fs (NM_001169109.2, NM_001169110.1, NM_001169111.2); short protein forms V207fs.
Identifiers: ClinVar variation 424006 (VCV000424006.2), dbSNP rs1556483060, ClinGen allele CA16621135.
Genomic context (GRCh38, chr22:50,523,793, plus strand): 5'-CAATGGAGTGGTCCACGATGTAGTCCTGGTCCTCATCCTTGGGGCCTGCATTGTAGTACA[C>CG]GCGGTAACTGTGACTAGCCTGGGCAACCTGTTTGGTGGAGCCGGTCAGACCCAACAGTCT-3'